The following is an entry in ClinVar:

NM_006904.7(PRKDC):c.10376A>G (p.Asn3459Ser)

Gene: PRKDC (protein kinase, DNA-activated, catalytic subunit; minus strand). Cytogenetic location: 8q11.21.
Variant type: single nucleotide variant.
Coding change: c.10376A>G on transcript NM_006904.7 (MANE Select); coding-DNA position 10376, A replaced by G.
Protein change: p.Asn3459Ser; replaces asparagine 3459 with serine.
Molecular consequence: missense variant.
Genome position (GRCh38, 1-based): chr8:47,798,319, T>C on the plus strand (A>G on the coding strand, the complement: PRKDC is on the minus strand). VCF-style: chr8-47798319-T-C. GRCh37 (hg19) VCF-style: chr8-48710880-T-C.
Other names: c.10376A>G, p.Asn3459Ser (NM_001081640.2); short protein forms N3459S.
Identifiers: ClinVar variation 376992 (VCV000376992.14), dbSNP rs8178228, ClinGen allele CA4739332.
Genomic context (GRCh38, chr8:47,798,319, plus strand): 5'-GTCTCCTCTGGATACCGTTCTATAATCTGAAGTAATCTAGGAAACTTCAATCTGGCTTCA[T>C]TGGAATTTAATTTTAAAGCTTTCAACATTTTCTCCACCACAAGTGCTGGATACGCCTGCA-3'
Protein context (NP_008835.5, residues 3449-3469): KMLKALKLNS[Asn3459Ser]EARLKFPRLL

ClinVar aggregate classification (germline): Benign/Likely benign. Review status: criteria provided, multiple submitters, no conflicts (2 of 4 stars). 4 submissions from 4 submitters: Benign (2); Likely benign (2). Last evaluated 2026-02-01.

Conditions:
Severe combined immunodeficiency due to DNA-PKcs deficiency. Also called: Immunodeficiency 26 with or without neurologic abnormalities; IMMUNODEFICIENCY 26 WITH NEUROLOGIC ABNORMALITIES. Identifiers: Orphanet 317425, MedGen C4014833, MONDO:0014423, OMIM 615966.

Allele frequency attached by ClinVar (database versions not stated): gnomAD exomes 0.00250; ExAC 0.00304; gnomAD 0.01009 and 0.01084; 1000 Genomes Project 0.01118; ESP Exome Variant Server 0.01143; TOPMed 0.01146; 1000 Genomes Project 30x 0.01187.
gnomAD v4.1: 3,053 of 1,613,610 alleles (0.19%); highest among the groups gnomAD compares: African/African-American, 3.4%; 56 homozygotes.

Submissions (4):

Labcorp Genetics (formerly Invitae), Labcorp
Classification: Benign for Severe combined immunodeficiency due to DNA-PKcs deficiency. Last evaluated: 2026-02-01. Review status: criteria provided, single submitter. Criteria: Invitae Variant Classification Sherloc (09022015). Collection method: clinical testing. Allele origin: germline.

GeneDx
Classification: Benign. Last evaluated: 2017-07-11. Review status: criteria provided, single submitter. Criteria: GeneDx Variant Classification (06012015). Collection method: clinical testing. Allele origin: germline. Affected: yes.
Comment: This variant is considered likely benign or benign based on one or more of the following criteria: it is a conservative change, it occurs at a poorly conserved position in the protein, it is predicted to be benign by multiple in silico algorithms, and/or has population frequency not consistent with disease.

Center for Pediatric Genomic Medicine, Children's Mercy Hospital and Clinics
Classification: Likely benign. Last evaluated: 2017-01-10. Review status: criteria provided, single submitter. Criteria: ACMG Guidelines, 2015. Collection method: clinical testing. Allele origin: germline.
ClinVar note: Converted during submission from Likely Benign to Likely benign.

Breakthrough Genomics
Classification: Likely benign. Review status: criteria provided, single submitter. Criteria: ACMG Guidelines, 2015. Collection method: not provided. Allele origin: germline. Inheritance: Autosomal recessive inheritance. Affected: yes.